The following is an entry in ClinVar:

ClinVar aggregate classification (germline): Conflicting classifications of pathogenicity. Review status: criteria provided, conflicting classifications (1 of 4 stars). 6 submissions from 6 submitters: Uncertain significance (4); Benign (1); Likely benign (1). Last evaluated 2026-06-01.

Conditions:
Cardiovascular phenotype. Identifiers: MedGen CN230736.
Brugada syndrome 5 (BRGDA5). Identifiers: Orphanet 130, Orphanet 871, MedGen C2748541, MONDO:0013015, OMIM 612838.

Allele frequency attached by ClinVar (database versions not stated): TOPMed 0.00005; ExAC 0.00007; gnomAD 0.00008 and 0.00009.

Submissions (6):

CeGaT Center for Human Genetics Tuebingen
Classification: Uncertain significance. Last evaluated: 2026-06-01. Review status: criteria provided, single submitter. Criteria: CeGaT Center For Human Genetics Tuebingen Variant Classification Criteria Version 2. Collection method: clinical testing. Allele origin: germline. Affected: yes. Observed: 1 variant allele.
Comment: SCN1B: PM2, PS3:Supporting, BP4

Labcorp Genetics (formerly Invitae), Labcorp
Classification: Uncertain significance for Brugada syndrome 5. Last evaluated: 2025-10-02. Review status: criteria provided, single submitter. Criteria: Invitae Variant Classification Sherloc (09022015). Collection method: clinical testing. Allele origin: germline.
Comment: This sequence change replaces proline, which is neutral and non-polar, with threonine, which is neutral and polar, at codon 213 of the SCN1B protein (p.Pro213Thr). This variant is present in population databases (rs766373298, gnomAD 0.05%). This missense change has been observed in individual(s) with SCN1B-related conditions (PMID: 24662403, 31737628). ClinVar contains an entry for this variant (Variation ID: 190846). An algorithm developed to predict the effect of missense changes on protein structure and function (PolyPhen-2) suggests that this variant is likely to be tolerated. Experimental studies have shown that this missense change affects SCN1B function (PMID: 24662403). In summary, the available evidence is currently insufficient to determine the role of this variant in disease. Therefore, it has been classified as a Variant of Uncertain Significance.

Women's Health and Genetics/Laboratory Corporation of America, LabCorp
Classification: Uncertain significance. Last evaluated: 2024-11-18. Review status: criteria provided, single submitter. Criteria: LabCorp Variant Classification Summary - May 2015. Collection method: clinical testing. Allele origin: germline.
Comment: Variant summary: SCN1B c.637C>A (p.Pro213Thr) results in a non-conservative amino acid change in the encoded protein sequence. Three of five in-silico tools predict a benign effect of the variant on protein function. The variant allele was found at a frequency of 4.2e-05 in 166888 control chromosomes. c.637C>A has been reported in the literature in four individuals in two families affected with SCN1B-Related Disorders (Riur_2014, El-Battrawy_2019). In one family this variant has also been detected in two unaffected family members, indicating incomplete pepetrance while in the second family, this variant has been found in cis with another missense change in vicinity in both the proband and the affected family member. These data indicate that the variant may be associated with disease. At least one publication reports experimental evidence evaluating an impact on protein function and the results show that this variant significantly increases the action potential duration when the mutant SCN1B is overexpressed in human embryonic kidney and HL-1 cells (Riur_2014). ClinVar contains an entry for this variant (Variation ID: 190846). Based on the evidence outlined above, the variant was classified as VUS-possibly pathogenic.

Ambry Genetics
Classification: Uncertain significance for Cardiovascular phenotype. Last evaluated: 2022-11-02. Review status: criteria provided, single submitter. Criteria: Ambry Variant Classification Scheme 2023. Collection method: clinical testing. Allele origin: germline.
Comment: Unlikely to be causative of SCN1B-related epilepsy (AD) Based on insufficient or conflicting evidence, the clinical significance of this alteration remains unclear.

Mendelics
Classification: Benign for Brugada syndrome 5. Last evaluated: 2019-05-28. Review status: criteria provided, single submitter. Criteria: Mendelics Assertion Criteria 2017. Collection method: clinical testing. Allele origin: unknown.

GeneDx
Classification: Likely benign. Last evaluated: 2013-06-12. Review status: criteria provided, single submitter. Criteria: GeneDx Variant Classification (06012015). Collection method: clinical testing. Allele origin: germline. Affected: yes.
Comment: This variant is considered likely benign or benign based on one or more of the following criteria: it is a conservative change, it occurs at a poorly conserved position in the protein, it is predicted to be benign by multiple in silico algorithms, and/or has population frequency not consistent with disease.

Literature cited by the submitters: PubMed 24662403 (cited by Labcorp Genetics (formerly Invitae), Labcorp and Women's Health and Genetics/Laboratory Corporation of America, LabCorp); PubMed 31737628 (cited by Labcorp Genetics (formerly Invitae), Labcorp and Women's Health and Genetics/Laboratory Corporation of America, LabCorp).

NM_001037.5(SCN1B):c.448+189C>A

Gene: SCN1B (sodium voltage-gated channel beta subunit 1; plus strand). Cytogenetic location: 19q13.11.
Variant type: single nucleotide variant.
Coding change: c.448+189C>A on transcript NM_001037.5 (MANE Select); 189 bases into the intron after coding-DNA position 448, C replaced by A.
Molecular consequence: intron variant. On other transcripts: missense variant (1).
Genome position (GRCh38, 1-based): chr19:35,033,928, C>A. VCF-style: chr19-35033928-C-A. GRCh37 (hg19) VCF-style: chr19-35524832-C-A.
Other names: p.P213T:CCA>ACA; c.637C>A, p.Pro213Thr (NM_199037.5); c.349+189C>A (NM_001321605.2); short protein forms P213T.
Identifiers: ClinVar variation 190846 (VCV000190846.13), dbSNP rs766373298, ClinGen allele CA302129.
Genomic context (GRCh38, chr19:35,033,928, plus strand): 5'-GAGGGGGAGGGGAGCAGCCCCTCCTGCCCACTCCAGCTCTGGCCTCTGTTTCTCTCCAGC[C>A]CACGGAGAGGTCAAAGCATGCCTGTCCCCCACAGACGCTCCGGGTACAGAACCCAGCTCT-3'